The following is an entry in ClinVar:

NM_001256447.2(BCAP31):c.437C>T (p.Ala146Val)

Gene: BCAP31 (B cell receptor associated protein 31; minus strand). Cytogenetic location: Xq28.
Variant type: single nucleotide variant.
Coding change: c.437C>T on transcript NM_001256447.2 (MANE Select); coding-DNA position 437, C replaced by T.
Protein change: p.Ala146Val; replaces alanine 146 with valine.
Molecular consequence: missense variant.
Genome position (GRCh38, 1-based): chrX:153,703,999, G>A on the plus strand (C>T on the coding strand, the complement: BCAP31 is on the minus strand). VCF-style: chrX-153703999-G-A. GRCh37 (hg19) VCF-style: chrX-152969454-G-A.
Other names: c.437C>T, p.Ala146Val (NM_001139441.1, NM_005745.8); c.638C>T, p.Ala213Val (NM_001139457.2); c.638C>T (NM_001139457.1); short protein forms A146V, A213V.
Identifiers: ClinVar variation 1395103 (VCV001395103.8), dbSNP rs781905415, ClinGen allele CA10549773.

ClinVar aggregate classification (germline): Conflicting classifications of pathogenicity. Review status: criteria provided, conflicting classifications (1 of 4 stars). 2 submissions from 2 submitters: Uncertain significance (1); Likely benign (1). Last evaluated 2025-04-11.

Conditions:
Inborn genetic diseases. Identifiers: MedGen C0950123, MeSH D030342.

Allele frequency attached by ClinVar (database versions not stated): gnomAD exomes 0.00002 and 0.00003; TOPMed 0.00002; ExAC 0.00003.

Submissions (4):

Ambry Genetics
Classification: Likely benign for Inborn genetic diseases. Last evaluated: 2025-04-11. Review status: criteria provided, single submitter. Criteria: Ambry Variant Classification Scheme 2023. Collection method: clinical testing. Allele origin: germline.

Labcorp Genetics (formerly Invitae), Labcorp
Classification: Uncertain significance. Last evaluated: 2025-01-20. Review status: criteria provided, single submitter. Criteria: Invitae Variant Classification Sherloc (09022015). Collection method: clinical testing. Allele origin: germline.
Comment: This sequence change replaces alanine, which is neutral and non-polar, with valine, which is neutral and non-polar, at codon 146 of the BCAP31 protein (p.Ala146Val). This variant is present in population databases (rs781905415, gnomAD 0.01%). This variant has not been reported in the literature in individuals affected with BCAP31-related conditions. ClinVar contains an entry for this variant (Variation ID: 1395103). An algorithm developed to predict the effect of missense changes on protein structure and function (PolyPhen-2) suggests that this variant is likely to be disruptive. In summary, the available evidence is currently insufficient to determine the role of this variant in disease. Therefore, it has been classified as a Variant of Uncertain Significance.

Dr. Peter K. Rogan Lab, Western University
No classification provided (evidence only). Condition: Thyroid cancer, nonmedullary, 1. Review status: no classification provided. Collection method: in vitro. Allele origin: not applicable. Functional consequence: retained intron. Not counted in ClinVar's aggregate classification.

Dr. Peter K. Rogan Lab, Western University
No classification provided (evidence only). Condition: Thyroid cancer, nonmedullary, 1. Review status: no classification provided. Collection method: in vitro. Allele origin: not applicable. Functional consequence: retained intron. Not counted in ClinVar's aggregate classification.